The following is an entry in ClinVar:

ClinVar aggregate classification (germline): Uncertain significance (1 of 4 stars; one submission).

Allele frequency attached by ClinVar (database versions not stated): gnomAD exomes below 0.00001.
gnomAD v4.1: 1 of 1,210,556 alleles (0.000083%); highest among the groups gnomAD compares: African/African-American, 0.0017%; no homozygotes.

Submission:

GeneDx
Classification: Uncertain significance. Last evaluated: 2022-11-29. Review status: criteria provided, single submitter. Criteria: GeneDx Variant Classification Process June 2021. Collection method: clinical testing. Allele origin: germline. Affected: yes.
Comment: Not observed at significant frequency in large population cohorts (gnomAD); In silico analysis supports that this missense variant does not alter protein structure/function; Has not been previously published as pathogenic or benign to our knowledge

NM_005120.3(MED12):c.4144A>G (p.Ile1382Val)

Gene: MED12 (mediator complex subunit 12; plus strand). Cytogenetic location: Xq13.1.
Variant type: single nucleotide variant.
Coding change: c.4144A>G on transcript NM_005120.3 (MANE Select); coding-DNA position 4144, A replaced by G.
Protein change: p.Ile1382Val; replaces isoleucine 1382 with valine.
Molecular consequence: missense variant.
Genome position (GRCh38, 1-based): chrX:71,132,097, A>G. VCF-style: chrX-71132097-A-G. GRCh37 (hg19) VCF-style: chrX-70351947-A-G.
Other names: short protein forms I1382V.
Identifiers: ClinVar variation 2503152 (VCV002503152.1), dbSNP rs2519699282, ClinGen allele CA413525543.